The following is an entry in ClinVar:

ClinVar aggregate classification (germline): Likely pathogenic (1 of 4 stars; one submission).

Submission:

Genetic Services Laboratory, University of Chicago
Classification: Likely pathogenic. Last evaluated: 2024-06-10. Review status: criteria provided, single submitter. Criteria: ACMG Guidelines, 2015. Collection method: clinical testing. Allele origin: germline. Affected: yes.
Comment: DNA sequence analysis of the ADA gene demonstrated a deletion and insertion of two base pairs in the intron 2/exon 3 boundary, c.96-1_96delinsAA. This sequence change results in an amino acid frameshift and creates a premature stop codon 8 amino acids downstream of the change, p.Arg33Lysfs*9. This sequence change is predicted to result in an abnormal transcript, which may be degraded, or may lead to the production of a truncated ADA protein with potentially abnormal function. The c.96-1_96delinsAA sequence change has not been described in the population databases such as ExAC and gnomAD. While this sequence change has not previously been described in the literature, other loss-of-function variants in the ADA gene have been described as pathogenic in several individuals with ADA-related disorders (PMIID: 26255240, 26376800). These collective evidences indicate that this sequence change is likely pathogenic, however functional studies have not been performed to prove this conclusively.

NM_000022.4(ADA):c.96-1_96delinsAA

Genes: ADA (adenosine deaminase; minus strand), LOC107303343 (adenosine deaminase intronic regulatory elements; plus strand). Cytogenetic location: 20q13.12.
Variant type: Indel.
Coding change: c.96-1_96delinsAA on transcript NM_000022.4 (MANE Select); the canonical splice acceptor site of the intron before coding-DNA position 96 through coding-DNA position 96, GG replaced by AA.
Molecular consequence: splice acceptor variant.
Genome position (GRCh38, 1-based): chr20:44,629,169-44,629,170, CC replaced by TT on the plus strand (GG replaced by AA on the coding strand, the reverse complement: ADA is on the minus strand). VCF-style: chr20-44629169-CC-TT. GRCh37 (hg19) VCF-style: chr20-43257810-CC-TT.
Other names: c.-194-1_-194delinsAA (NM_001322050.2); c.96-1_96delinsAA (NM_001322051.2).
Identifiers: ClinVar variation 4082403 (VCV004082403.2).